The following is an entry in ClinVar:

NM_003560.4(PLA2G6):c.2374C>T (p.His792Tyr)

Gene: PLA2G6 (phospholipase A2 group VI; minus strand). Cytogenetic location: 22q13.1.
Variant type: single nucleotide variant.
Coding change: c.2374C>T on transcript NM_003560.4 (MANE Select); coding-DNA position 2374, C replaced by T.
Protein change: p.His792Tyr; replaces histidine 792 with tyrosine.
Molecular consequence: missense variant.
Genome position (GRCh38, 1-based): chr22:38,112,208, G>A on the plus strand (C>T on the coding strand, the complement: PLA2G6 is on the minus strand). VCF-style: chr22-38112208-G-A. GRCh37 (hg19) VCF-style: chr22-38508215-G-A.
Other names: c.2212C>T, p.His738Tyr (NM_001004426.3, NM_001199562.3, NM_001349865.2 and 1 more transcripts); c.2374C>T, p.His792Tyr (NM_001349864.2); c.1840C>T, p.His614Tyr (NM_001349867.2); c.1696C>T, p.His566Tyr (NM_001349868.2); c.1678C>T, p.His560Tyr (NM_001349869.2); short protein forms H560Y, H566Y, H614Y, H738Y, H792Y.
Identifiers: ClinVar variation 4686199 (VCV004686199.1).

ClinVar aggregate classification (germline): Uncertain significance (1 of 4 stars; one submission).

Submission:

GeneDx
Classification: Uncertain significance. Last evaluated: 2025-07-14. Review status: criteria provided, single submitter. Criteria: GeneDx Variant Classification Process June 2021. Collection method: clinical testing. Allele origin: germline. Affected: yes.
Comment: Not observed at significant frequency in large population cohorts (gnomAD); In silico analysis supports that this missense variant has a deleterious effect on protein structure/function; Has not been previously published as pathogenic or benign to our knowledge